The following is an entry in ClinVar:

ClinVar aggregate classification (germline): Conflicting classifications of pathogenicity. Review status: criteria provided, conflicting classifications (1 of 4 stars). 2 submissions from 2 submitters: Likely pathogenic (1); Uncertain significance (1). Last evaluated 2026-04-16.

Conditions:
Primary ciliary dyskinesia. Also called: Ciliary dyskinesia. Identifiers: Orphanet 244, MedGen C0008780, MONDO:0016575, HP:0012265.
Primary ciliary dyskinesia 22. Also called: CILIARY DYSKINESIA, PRIMARY, 22, WITH OR WITHOUT SITUS INVERSUS. Identifiers: Orphanet 244, MedGen C3809543, MONDO:0014192, OMIM 615444.

Allele frequency attached by ClinVar (database versions not stated): TOPMed below 0.00001; gnomAD 0.00001.
gnomAD v4.1: 1 of 1,604,038 alleles (0.000062%); highest among the groups gnomAD compares: Admixed American, 0.0017%; no homozygotes.

Submissions (2):

Dasa
Classification: Uncertain significance for Primary ciliary dyskinesia 22. Last evaluated: 2026-04-16. Review status: criteria provided, single submitter. Criteria: DASA Assertion Criteria. Collection method: clinical testing. Allele origin: germline.
Comment: NM_015896.4(ZMYND10):c.83G>A (p.Gly28Asp) is a missense variant that results in the substitution of glycine with aspartic acid. This variant has been observed in affected individuals with ZMYND10-related disorders. Also, this variant is rare in population databases. The currently available literature and clinical evidence are not sufficient to establish a definitive association between this variant and the reported condition. Therefore, this variant is classified as a variant of uncertain significance.

Labcorp Genetics (formerly Invitae), Labcorp
Classification: Likely pathogenic for Primary ciliary dyskinesia. Last evaluated: 2022-11-29. Review status: criteria provided, single submitter. Criteria: Invitae Variant Classification Sherloc (09022015). Collection method: clinical testing. Allele origin: germline.
Comment: Advanced modeling of protein sequence and biophysical properties (such as structural, functional, and spatial information, amino acid conservation, physicochemical variation, residue mobility, and thermodynamic stability) performed at Invitae indicates that this missense variant is expected to disrupt ZMYND10 protein function. ClinVar contains an entry for this variant (Variation ID: 1371306). This missense change has been observed in individual(s) with clinical features of primary ciliary dyskinesia (PMID: 31879361; Invitae). This variant is not present in population databases (gnomAD no frequency). This sequence change replaces glycine, which is neutral and non-polar, with aspartic acid, which is acidic and polar, at codon 28 of the ZMYND10 protein (p.Gly28Asp). In summary, the currently available evidence indicates that the variant is pathogenic, but additional data are needed to prove that conclusively. Therefore, this variant has been classified as Likely Pathogenic.

Literature cited by the submitters: PubMed 31879361 (cited by Labcorp Genetics (formerly Invitae), Labcorp).

NM_015896.4(ZMYND10):c.83G>A (p.Gly28Asp)

Gene: ZMYND10 (zinc finger MYND-type containing 10; minus strand). Cytogenetic location: 3p21.31.
Variant type: single nucleotide variant.
Coding change: c.83G>A on transcript NM_015896.4 (MANE Select); coding-DNA position 83, G replaced by A.
Protein change: p.Gly28Asp; replaces glycine 28 with aspartic acid.
Molecular consequence: missense variant.
Genome position (GRCh38, 1-based): chr3:50,345,497, C>T on the plus strand (G>A on the coding strand, the complement: ZMYND10 is on the minus strand). VCF-style: chr3-50345497-C-T. GRCh37 (hg19) VCF-style: chr3-50382928-C-T.
Other names: c.83G>A, p.Gly28Asp (NM_001308379.2); short protein forms G28D.
Identifiers: ClinVar variation 1371306 (VCV001371306.8), dbSNP rs1703516836, ClinGen allele CA352945941.